The following is an entry in ClinVar:

ClinVar aggregate classification (germline): Uncertain significance (1 of 4 stars; one submission).

Submission:

Labcorp Genetics (formerly Invitae), Labcorp
Classification: Uncertain significance. Last evaluated: 2023-07-17. Review status: criteria provided, single submitter. Criteria: Invitae Variant Classification Sherloc (09022015). Collection method: clinical testing. Allele origin: germline.
Comment: This sequence change replaces threonine, which is neutral and polar, with isoleucine, which is neutral and non-polar, at codon 202 of the POLE protein (p.Thr202Ile). Information on the frequency of this variant in the gnomAD database is not available, as this variant may be reported differently in the database. This variant has not been reported in the literature in individuals affected with POLE-related conditions. ClinVar contains an entry for this variant (Variation ID: 643051). Algorithms developed to predict the effect of missense changes on protein structure and function output the following: SIFT: "Not Available"; PolyPhen-2: "Benign"; Align-GVGD: "Not Available". The isoleucine amino acid residue is found in multiple mammalian species, which suggests that this missense change does not adversely affect protein function. In summary, the available evidence is currently insufficient to determine the role of this variant in disease. Therefore, it has been classified as a Variant of Uncertain Significance.

NM_006231.4(POLE):c.605_606delinsTC (p.Thr202Ile)

Gene: POLE (DNA polymerase epsilon, catalytic subunit; minus strand). Cytogenetic location: 12q24.33.
Variant type: Indel.
Coding change: c.605_606delinsTC on transcript NM_006231.4 (MANE Select); coding-DNA positions 605 to 606, CT replaced by TC.
Protein change: p.Thr202Ile; replaces threonine 202 with isoleucine.
Molecular consequence: missense variant.
Genome position (GRCh38, 1-based): chr12:132,677,692-132,677,693, AG replaced by GA on the plus strand (CT replaced by TC on the coding strand, the reverse complement: POLE is on the minus strand). VCF-style: chr12-132677692-AG-GA. GRCh37 (hg19) VCF-style: chr12-133254278-AG-GA.
Other names: short protein forms T202I.
Identifiers: ClinVar variation 643051 (VCV000643051.7), dbSNP rs1593082121, ClinGen allele CA915946768.